The following is an entry in ClinVar:

NM_004855.5(PIGB):c.896G>T (p.Trp299Leu)

Gene: PIGB (phosphatidylinositol glycan anchor biosynthesis class B; plus strand). Cytogenetic location: 15q21.3.
Variant type: single nucleotide variant.
Coding change: c.896G>T on transcript NM_004855.5 (MANE Select); coding-DNA position 896, G replaced by T.
Protein change: p.Trp299Leu; replaces tryptophan 299 with leucine.
Molecular consequence: missense variant.
Genome position (GRCh38, 1-based): chr15:55,340,661, G>T. VCF-style: chr15-55340661-G-T. GRCh37 (hg19) VCF-style: chr15-55632859-G-T.
Other names: short protein forms W299L.
Identifiers: ClinVar variation 1179234 (VCV001179234.16), dbSNP rs678892, ClinGen allele CA7573966.
Genomic context (GRCh38, chr15:55,340,661, plus strand): 5'-AACGGTGCCAGTGGACTCTGGTTCAATTTAATTTTTTGAAATTTAACGTGCTGCAGAACT[G>T]GGGAACATTTTATGGTTCTCATCCATGGCACTGGTACTTCAGTCAAGGATTTCCAGTTAT-3'
Protein context (NP_004846.4, residues 289-309): NFLKFNVLQN[Trp299Leu]GTFYGSHPWH

ClinVar aggregate classification (germline): Benign. Review status: criteria provided, multiple submitters, no conflicts (2 of 4 stars). 6 submissions from 6 submitters: Benign (5). 1 of the submissions does not count toward it. Last evaluated 2026-02-03.

Conditions:
Developmental and epileptic encephalopathy, 80. Also called: EPILEPTIC ENCEPHALOPATHY, EARLY INFANTILE, 80; GLYCOSYLPHOSPHATIDYLINOSITOL BIOSYNTHESIS DEFECT 20. Identifiers: MedGen C5231418, MONDO:0032822, OMIM 618580.
PIGB-related disorder. Also called: PIGB-related condition.

Allele frequency attached by ClinVar (database versions not stated): gnomAD exomes 0.40757; ExAC 0.42266; ESP Exome Variant Server 0.46711; gnomAD 0.48571 and 0.48713; TOPMed 0.50929; 1000 Genomes Project 0.60124; 1000 Genomes Project 30x 0.60197.

Submissions (6):

Labcorp Genetics (formerly Invitae), Labcorp
Classification: Benign. Last evaluated: 2026-02-03. Review status: criteria provided, single submitter. Criteria: Invitae Variant Classification Sherloc (09022015). Collection method: clinical testing. Allele origin: germline.

Blueprint Genetics
Classification: Benign. Last evaluated: 2024-11-27. Review status: criteria provided, single submitter. Criteria: ACMG Guidelines, 2015. Collection method: clinical testing. Allele origin: germline.

Genome-Nilou Lab
Classification: Benign for Developmental and epileptic encephalopathy, 80. Last evaluated: 2021-09-05. Review status: criteria provided, single submitter. Criteria: ACMG Guidelines, 2015. Collection method: clinical testing. Allele origin: germline. Affected: no.

GeneDx
Classification: Benign. Last evaluated: 2020-04-20. Review status: criteria provided, single submitter. Criteria: GeneDx Variant Classification Process June 2021. Collection method: clinical testing. Allele origin: germline. Affected: yes.

Breakthrough Genomics
Classification: Benign. Review status: criteria provided, single submitter. Criteria: ACMG Guidelines, 2015. Collection method: not provided. Allele origin: germline. Inheritance: Autosomal recessive inheritance. Affected: yes.

PreventionGenetics, part of Exact Sciences
Classification: Benign for PIGB-related condition. Last evaluated: 2019-10-30. Review status: no assertion criteria provided. Collection method: clinical testing. Allele origin: germline. Not counted in ClinVar's aggregate classification.
Comment: This variant is classified as benign based on ACMG/AMP sequence variant interpretation guidelines (Richards et al. 2015 PMID: 25741868, with internal and published modifications).